The following is an entry in ClinVar:

NM_025114.4(CEP290):c.4201G>T (p.Glu1401Ter)

Gene: CEP290 (centrosomal protein 290; minus strand). Cytogenetic location: 12q21.32.
Variant type: single nucleotide variant.
Coding change: c.4201G>T on transcript NM_025114.4 (MANE Select); coding-DNA position 4201, G replaced by T.
Protein change: p.Glu1401Ter; replaces glutamic acid 1401 with a stop codon.
Molecular consequence: nonsense.
Genome position (GRCh38, 1-based): chr12:88,086,492, C>A on the plus strand (G>T on the coding strand, the complement: CEP290 is on the minus strand). VCF-style: chr12-88086492-C-A. GRCh37 (hg19) VCF-style: chr12-88480269-C-A.
Other names: short protein forms E1401*.
Identifiers: ClinVar variation 2953095 (VCV002953095.3), dbSNP rs2500019381, ClinGen allele CA385997739.

ClinVar aggregate classification (germline): Pathogenic (1 of 4 stars; one submission).

Conditions:
Joubert syndrome. Also called: CEREBELLOPARENCHYMAL DISORDER IV; JOUBERT-BOLTSHAUSER SYNDROME; Familial aplasia of the vermis. Identifiers: Orphanet 475, MedGen C5979921, MONDO:0018772.
Nephronophthisis. Also called: Juvenile Nephronophthisis. Identifiers: Orphanet 655, MedGen C0687120, MONDO:0019005, HP:0000090.
Meckel-Gruber syndrome. Also called: DYSENCEPHALIA SPLANCHNOCYSTICA; GRUBER SYNDROME; Dysencephalia splachnocystica. Identifiers: Orphanet 564, MedGen C0265215, MONDO:0018921.

Submission:

Labcorp Genetics (formerly Invitae), Labcorp
Classification: Pathogenic for Joubert syndrome; Meckel-Gruber syndrome; Nephronophthisis. Last evaluated: 2023-10-20. Review status: criteria provided, single submitter. Criteria: Invitae Variant Classification Sherloc (09022015). Collection method: clinical testing. Allele origin: germline.
Comment: This sequence change creates a premature translational stop signal (p.Glu1401*) in the CEP290 gene. It is expected to result in an absent or disrupted protein product. Loss-of-function variants in CEP290 are known to be pathogenic (PMID: 16909394, 17345604, 20690115). This variant is not present in population databases (gnomAD no frequency). This variant has not been reported in the literature in individuals affected with CEP290-related conditions. For these reasons, this variant has been classified as Pathogenic.

Literature cited by the submitters: PubMed 16909394; PubMed 17345604; PubMed 20690115.